The following is an entry in ClinVar:

NM_001365951.3(KIF1B):c.2980G>C (p.Ala994Pro)

Gene: KIF1B (kinesin family member 1B; plus strand). Cytogenetic location: 1p36.22.
Variant type: single nucleotide variant.
Coding change: c.2980G>C on transcript NM_001365951.3 (MANE Select); coding-DNA position 2980, G replaced by C.
Protein change: p.Ala994Pro; replaces alanine 994 with proline.
Molecular consequence: missense variant.
Genome position (GRCh38, 1-based): chr1:10,334,575, G>C. VCF-style: chr1-10334575-G-C. GRCh37 (hg19) VCF-style: chr1-10394633-G-C.
Other names: c.2980G>C, p.Ala994Pro (NM_001365952.1); c.2842G>C, p.Ala948Pro (NM_015074.3); short protein forms A948P, A994P.
Identifiers: ClinVar variation 2563660 (VCV002563660.2), dbSNP rs760646785, ClinGen allele CA338338703.
Genomic context (GRCh38, chr1:10,334,575, plus strand): 5'-TTTAGGGCATTTGTTTACCTGAGCAATCTGCTGTATCCCGTGCCCCTGATCCACAGGGTG[G>C]CCATCGTCAGTGAGAAAGGTGAAGTGCGGGGATTTCTGCGTGTGGCTGTACAGGCCATCG-3'
Protein context (NP_001352880.1, residues 984-1004): LYPVPLIHRV[Ala994Pro]IVSEKGEVRG

ClinVar aggregate classification (germline): Uncertain significance (1 of 4 stars; one submission).

Submission:

Ambry Genetics
Classification: Uncertain significance. Last evaluated: 2023-06-09. Review status: criteria provided, single submitter. Criteria: Ambry Variant Classification Scheme 2023. Collection method: clinical testing. Allele origin: germline.
Comment: The p.A948P variant (also known as c.2842G>C), located in coding exon 25 of the KIF1B gene, results from a G to C substitution at nucleotide position 2842. The alanine at codon 948 is replaced by proline, an amino acid with highly similar properties. This amino acid position is conserved. In addition, this alteration is predicted to be deleterious by in silico analysis. Since supporting evidence is limited at this time, the clinical significance of this alteration remains unclear.